The following is an entry in ClinVar:

NM_006348.5(COG5):c.2056G>C (p.Gly686Arg)

Gene: COG5 (component of oligomeric golgi complex 5; minus strand). Cytogenetic location: 7q22.3.
Variant type: single nucleotide variant.
Coding change: c.2056G>C on transcript NM_006348.5 (MANE Select); coding-DNA position 2056, G replaced by C.
Protein change: p.Gly686Arg; replaces glycine 686 with arginine.
Molecular consequence: missense variant. On other transcripts: intron variant (1).
Genome position (GRCh38, 1-based): chr7:107,236,485, C>G on the plus strand (G>C on the coding strand, the complement: COG5 is on the minus strand). VCF-style: chr7-107236485-C-G. GRCh37 (hg19) VCF-style: chr7-106876930-C-G.
Other names: c.2056G>C, p.Gly686Arg (NM_001161520.2, NM_001379513.1); c.1894G>C, p.Gly632Arg (NM_001379511.1); c.1882G>C, p.Gly628Arg (NM_001379512.1); c.1486G>C, p.Gly496Arg (NM_001379515.1); c.1342G>C, p.Gly448Arg (NM_001379516.1); c.1993G>C, p.Gly665Arg (NM_181733.4); c.1853+11911G>C (NM_001379514.1); short protein forms G628R, G665R, G686R, G448R, G496R, G632R.
Identifiers: ClinVar variation 1391724 (VCV001391724.3), dbSNP rs2116455775, ClinGen allele CA368939388.

ClinVar aggregate classification (germline): Uncertain significance (1 of 4 stars; one submission).

Conditions:
COG5-congenital disorder of glycosylation. Also called: CDG IIi; CONGENITAL DISORDER OF GLYCOSYLATION, TYPE IIi; COG5-CDG. Identifiers: Orphanet 263487, MedGen C3150876, MONDO:0013325, OMIM 613612.

Allele frequency attached by ClinVar (database versions not stated): gnomAD exomes below 0.00001.
gnomAD v4.1: 2 of 1,614,100 alleles (0.00012%); highest among the groups gnomAD compares: Non-Finnish European, 0.00017%; no homozygotes.

Submission:

Labcorp Genetics (formerly Invitae), Labcorp
Classification: Uncertain significance for COG5-congenital disorder of glycosylation. Last evaluated: 2021-11-06. Review status: criteria provided, single submitter. Criteria: Invitae Variant Classification Sherloc (09022015). Collection method: clinical testing. Allele origin: germline.
Comment: This sequence change replaces glycine, which is neutral and non-polar, with arginine, which is basic and polar, at codon 717 of the COG5 protein (p.Gly717Arg). This variant is not present in population databases (gnomAD no frequency). This variant has not been reported in the literature in individuals affected with COG5-related conditions. Algorithms developed to predict the effect of missense changes on protein structure and function are either unavailable or do not agree on the potential impact of this missense change (SIFT: "Tolerated"; PolyPhen-2: "Possibly Damaging"; Align-GVGD: "Class C0"). In summary, the available evidence is currently insufficient to determine the role of this variant in disease. Therefore, it has been classified as a Variant of Uncertain Significance.